The following is an entry in ClinVar:

ClinVar aggregate classification (germline): Conflicting classifications of pathogenicity. Review status: criteria provided, conflicting classifications (1 of 4 stars). 2 submissions from 2 submitters: Uncertain significance (1); Likely benign (1). Last evaluated 2025-12-15.

Allele frequency attached by ClinVar (database versions not stated): ExAC 0.00001; TOPMed 0.00001; gnomAD 0.00002; gnomAD exomes 0.00002.
gnomAD v4.1: 14 of 1,613,932 alleles (0.00087%); highest among the groups gnomAD compares: Non-Finnish European, 0.0011%; no homozygotes.

Submissions (2):

Labcorp Genetics (formerly Invitae), Labcorp
Classification: Uncertain significance. Last evaluated: 2025-12-15. Review status: criteria provided, single submitter. Criteria: Invitae Variant Classification Sherloc (09022015). Collection method: clinical testing. Allele origin: germline.
Comment: This sequence change replaces threonine, which is neutral and polar, with alanine, which is neutral and non-polar, at codon 32 of the CCND2 protein (p.Thr32Ala). This variant is present in population databases (rs772187536, gnomAD 0.003%). This variant has not been reported in the literature in individuals affected with CCND2-related conditions. ClinVar contains an entry for this variant (Variation ID: 1901460). Invitae Evidence Modeling of protein sequence and biophysical properties (such as structural, functional, and spatial information, amino acid conservation, physicochemical variation, residue mobility, and thermodynamic stability) indicates that this missense variant is not expected to disrupt CCND2 protein function with a negative predictive value of 80%. In summary, the available evidence is currently insufficient to determine the role of this variant in disease. Therefore, it has been classified as a Variant of Uncertain Significance.

Laboratory of Genetics, Children's Clinical University Hospital Latvia
Classification: Likely benign. Last evaluated: 2025-02-16. Review status: criteria provided, single submitter. Criteria: ACMG Guidelines, 2015. Collection method: clinical testing. Allele origin: germline. Affected: yes.

NM_001759.4(CCND2):c.94A>G (p.Thr32Ala)

Genes: CCND2 (cyclin D2; plus strand), CCND2-AS1 (CCND2 antisense RNA 1; minus strand). Cytogenetic location: 12p13.32.
Variant type: single nucleotide variant.
Coding change: c.94A>G on transcript NM_001759.4 (MANE Select); coding-DNA position 94, A replaced by G.
Protein change: p.Thr32Ala; replaces threonine 32 with alanine.
Molecular consequence: missense variant.
Genome position (GRCh38, 1-based): chr12:4,274,134, A>G. VCF-style: chr12-4274134-A-G. GRCh37 (hg19) VCF-style: chr12-4383300-A-G.
Other names: short protein forms T32A.
Identifiers: ClinVar variation 1901460 (VCV001901460.6), dbSNP rs772187536, ClinGen allele CA6395152.